The following is an entry in ClinVar:

NM_000363.5(TNNI3):c.128C>G (p.Ala43Gly)

Gene: TNNI3 (troponin I3, cardiac type; minus strand). Cytogenetic location: 19q13.42.
Variant type: single nucleotide variant.
Coding change: c.128C>G on transcript NM_000363.5 (MANE Select); coding-DNA position 128, C replaced by G.
Protein change: p.Ala43Gly; replaces alanine 43 with glycine.
Molecular consequence: missense variant.
Genome position (GRCh38, 1-based): chr19:55,156,625, G>C on the plus strand (C>G on the coding strand, the complement: TNNI3 is on the minus strand). VCF-style: chr19-55156625-G-C. GRCh37 (hg19) VCF-style: chr19-55667993-G-C.
Other names: short protein forms A43G.
Identifiers: ClinVar variation 1008587 (VCV001008587.10), dbSNP rs2085732607, ClinGen allele CA407442414.

ClinVar aggregate classification (germline): Uncertain significance (1 of 4 stars; one submission).

Conditions:
Hypertrophic cardiomyopathy. Also called: HYPERTROPHIC MYOCARDIOPATHY. Identifiers: Orphanet 217569, MedGen C0007194, MeSH D002312, MONDO:0005045, HP:0001639.

Submission:

Labcorp Genetics (formerly Invitae), Labcorp
Classification: Uncertain significance for Hypertrophic cardiomyopathy. Last evaluated: 2022-10-17. Review status: criteria provided, single submitter. Criteria: Invitae Variant Classification Sherloc (09022015). Collection method: clinical testing. Allele origin: germline.
Comment: This variant is not present in population databases (gnomAD no frequency). In summary, the available evidence is currently insufficient to determine the role of this variant in disease. Therefore, it has been classified as a Variant of Uncertain Significance. Algorithms developed to predict the effect of missense changes on protein structure and function are either unavailable or do not agree on the potential impact of this missense change (SIFT: "Deleterious"; PolyPhen-2: "Benign"; Align-GVGD: "Class C0"). ClinVar contains an entry for this variant (Variation ID: 1008587). This variant has not been reported in the literature in individuals affected with TNNI3-related conditions. This sequence change replaces alanine, which is neutral and non-polar, with glycine, which is neutral and non-polar, at codon 43 of the TNNI3 protein (p.Ala43Gly).